The following is an entry in ClinVar:

ClinVar aggregate classification (germline): Uncertain significance (1 of 4 stars; one submission).

gnomAD v4.1: 6 of 1,613,934 alleles (0.00037%); highest among the groups gnomAD compares: Admixed American, 0.005%; no homozygotes.

Submission:

Ambry Genetics
Classification: Uncertain significance. Last evaluated: 2024-04-30. Review status: criteria provided, single submitter. Criteria: Ambry Variant Classification Scheme 2023. Collection method: clinical testing. Allele origin: germline.
Comment: The p.S1803T variant (also known as c.5408G>C), located in coding exon 16 of the POLQ gene, results from a G to C substitution at nucleotide position 5408. The serine at codon 1803 is replaced by threonine, an amino acid with similar properties. This amino acid position is conserved. In addition, this alteration is predicted to be tolerated by in silico analysis. Since supporting evidence is limited at this time, the clinical significance of this alteration remains unclear.

NM_199420.4(POLQ):c.5408G>C (p.Ser1803Thr)

Gene: POLQ (DNA polymerase theta; minus strand). Cytogenetic location: 3q13.33.
Variant type: single nucleotide variant.
Coding change: c.5408G>C on transcript NM_199420.4 (MANE Select); coding-DNA position 5408, G replaced by C.
Protein change: p.Ser1803Thr; replaces serine 1803 with threonine.
Molecular consequence: missense variant.
Genome position (GRCh38, 1-based): chr3:121,487,523, C>G on the plus strand (G>C on the coding strand, the complement: POLQ is on the minus strand). VCF-style: chr3-121487523-C-G. GRCh37 (hg19) VCF-style: chr3-121206370-C-G.
Other names: short protein forms S1803T.
Identifiers: ClinVar variation 1747334 (VCV001747334.3), dbSNP rs192758267, ClinGen allele CA2562718.